The following is an entry in ClinVar:

NM_003730.6(RNASET2):c.22G>C (p.Gly8Arg)

Gene: RNASET2 (ribonuclease T2; minus strand). Cytogenetic location: 6q27.
Variant type: single nucleotide variant.
Coding change: c.22G>C on transcript NM_003730.6 (MANE Select); coding-DNA position 22, G replaced by C.
Protein change: p.Gly8Arg; replaces glycine 8 with arginine.
Molecular consequence: missense variant.
Genome position (GRCh38, 1-based): chr6:166,956,161, C>G on the plus strand (G>C on the coding strand, the complement: RNASET2 is on the minus strand). VCF-style: chr6-166956161-C-G. GRCh37 (hg19) VCF-style: chr6-167369649-C-G.
Other names: short protein forms G8R.
Identifiers: ClinVar variation 1959195 (VCV001959195.5), dbSNP rs911168436, ClinGen allele CA151911997.

ClinVar aggregate classification (germline): Uncertain significance (1 of 4 stars; one submission).

Allele frequency attached by ClinVar (database versions not stated): gnomAD exomes below 0.00001.
gnomAD v4.1: 2 of 1,550,218 alleles (0.00013%); highest among the groups gnomAD compares: Non-Finnish European, 0.000087%; no homozygotes.

Submission:

Labcorp Genetics (formerly Invitae), Labcorp
Classification: Uncertain significance. Last evaluated: 2022-01-03. Review status: criteria provided, single submitter. Criteria: Invitae Variant Classification Sherloc (09022015). Collection method: clinical testing. Allele origin: germline.
Comment: This sequence change replaces glycine, which is neutral and non-polar, with arginine, which is basic and polar, at codon 8 of the RNASET2 protein (p.Gly8Arg). This variant is not present in population databases (gnomAD no frequency). This variant has not been reported in the literature in individuals affected with RNASET2-related conditions. Algorithms developed to predict the effect of missense changes on protein structure and function output the following: SIFT: "Tolerated"; PolyPhen-2: "Not Available"; Align-GVGD: "Class C0". The arginine amino acid residue is found in multiple mammalian species, which suggests that this missense change does not adversely affect protein function. In summary, the available evidence is currently insufficient to determine the role of this variant in disease. Therefore, it has been classified as a Variant of Uncertain Significance.